The following is an entry in ClinVar:

NM_002458.3(MUC5B):c.11859G>A (p.Thr3953=)

Genes: MUC5B (mucin 5B, oligomeric mucus/gel-forming; plus strand), MUC5B-AS1 (MUC5B antisense RNA 1; minus strand). Cytogenetic location: 11p15.5.
Variant type: single nucleotide variant.
Coding change: c.11859G>A on transcript NM_002458.3 (MANE Select); coding-DNA position 11859, G replaced by A.
Protein change: p.Thr3953=; no amino-acid change (threonine 3953 retained).
Molecular consequence: synonymous variant.
Genome position (GRCh38, 1-based): chr11:1,248,739, G>A. VCF-style: chr11-1248739-G-A. GRCh37 (hg19) VCF-style: chr11-1269969-G-A.
Identifiers: ClinVar variation 2641280 (VCV002641280.24), dbSNP rs111706122, ClinGen allele CA5807808.
Genomic context (GRCh38, chr11:1,248,739, plus strand): 5'-ACCCTCCTCTAGCACACAGACCAGTGGTACTCCCCCATCACTGATCACCACGGCCACTAC[G>A]ATCACGGCCACCGGCTCCACCACCAACCCCTCCTCAACTCCAGGGACAACACCTATCCCC-3'
Protein context (NP_002449.2, residues 3943-3963): TPPSLITTAT[Thr3953=]ITATGSTTNP

ClinVar aggregate classification (germline): Likely benign (1 of 4 stars; one submission).

Allele frequency attached by ClinVar (database versions not stated): 1000 Genomes Project 30x 0.00141; 1000 Genomes Project 0.00160; ESP Exome Variant Server 0.00296; ExAC 0.00473.
gnomAD v4.1: 6,609 of 1,556,940 alleles (0.42%); highest among the groups gnomAD compares: Non-Finnish European, 0.44%; 48 homozygotes.

Submission:

CeGaT Center for Human Genetics Tuebingen
Classification: Likely benign. Last evaluated: 2023-03-01. Review status: criteria provided, single submitter. Criteria: CeGaT Center For Human Genetics Tuebingen Variant Classification Criteria Version 2. Collection method: clinical testing. Allele origin: germline. Affected: yes. Observed: 3 variant alleles.
Comment: MUC5B: BP4, BP7, BS2